The following is an entry in ClinVar:

ClinVar aggregate classification (germline): Pathogenic (1 of 4 stars; one submission).

Conditions:
Dystonic disorder. Also called: Dystonia. Identifiers: MedGen C0013421, MONDO:0003441, HP:0001332.

Submission:

Labcorp Genetics (formerly Invitae), Labcorp
Classification: Pathogenic for Dystonic disorder. Last evaluated: 2022-02-21. Review status: criteria provided, single submitter. Criteria: Invitae Variant Classification Sherloc (09022015). Collection method: clinical testing. Allele origin: germline.
Comment: This sequence change replaces serine, which is neutral and polar, with asparagine, which is neutral and polar, at codon 651 of the ANO3 protein (p.Ser651Asn). This variant is not present in population databases (gnomAD no frequency). This missense change has been observed in individual(s) with ANO3-related dystonia (PMID: 29449182, 30502610). In at least one individual the variant was observed to be de novo. Algorithms developed to predict the effect of missense changes on protein structure and function are either unavailable or do not agree on the potential impact of this missense change (SIFT: "Deleterious"; PolyPhen-2: "Probably Damaging"; Align-GVGD: "Class C0"). For these reasons, this variant has been classified as Pathogenic.

Literature cited by the submitters: PubMed 29449182; PubMed 30502610.

NM_031418.4(ANO3):c.1952G>A (p.Ser651Asn)

Gene: ANO3 (anoctamin 3; plus strand). Cytogenetic location: 11p14.2.
Variant type: single nucleotide variant.
Coding change: c.1952G>A on transcript NM_031418.4 (MANE Select); coding-DNA position 1952, G replaced by A.
Protein change: p.Ser651Asn; replaces serine 651 with asparagine.
Molecular consequence: missense variant.
Genome position (GRCh38, 1-based): chr11:26,634,282, G>A. VCF-style: chr11-26634282-G-A. GRCh37 (hg19) VCF-style: chr11-26655829-G-A.
Other names: c.2135G>A, p.Ser712Asn (NM_001313726.2); c.1514G>A, p.Ser505Asn (NM_001313727.2); short protein forms S505N, S712N, S651N.
Identifiers: ClinVar variation 2159492 (VCV002159492.4), dbSNP rs2538991883, ClinGen allele CA379934058.